The following is an entry in ClinVar:

ClinVar aggregate classification (germline): Uncertain significance (1 of 4 stars; one submission).

Conditions:
Hereditary cancer-predisposing syndrome. Also called: Neoplastic Syndromes, Hereditary; Tumor predisposition; Hereditary neoplastic syndrome; Hereditary Cancer Syndrome. Identifiers: Orphanet 140162, MedGen C0027672, MeSH D009386, MONDO:0015356.

Submission:

Ambry Genetics
Classification: Uncertain significance for Hereditary cancer-predisposing syndrome. Last evaluated: 2022-11-23. Review status: criteria provided, single submitter. Criteria: Ambry Variant Classification Scheme 2023. Collection method: clinical testing. Allele origin: germline.
Comment: The p.K1628E variant (also known as c.4882A>G), located in coding exon 34 of the SMARCA4 gene, results from an A to G substitution at nucleotide position 4882. The lysine at codon 1628 is replaced by glutamic acid, an amino acid with similar properties. This amino acid position is highly conserved in available vertebrate species. In addition, this alteration is predicted to be deleterious by in silico analysis. Since supporting evidence is limited at this time, the clinical significance of this alteration remains unclear.

NM_003072.5(SMARCA4):c.4786A>G (p.Lys1596Glu)

Gene: SMARCA4 (SWI/SNF related BAF chromatin remodeling complex subunit ATPase 4; plus strand). Cytogenetic location: 19p13.2.
Variant type: single nucleotide variant.
Coding change: c.4786A>G on transcript NM_003072.5 (MANE Select); coding-DNA position 4786, A replaced by G.
Protein change: p.Lys1596Glu; replaces lysine 1596 with glutamic acid.
Molecular consequence: missense variant. On other transcripts: non-coding transcript variant (1).
Genome position (GRCh38, 1-based): chr19:11,060,062, A>G. VCF-style: chr19-11060062-A-G. GRCh37 (hg19) VCF-style: chr19-11170738-A-G.
Other names: c.4786A>G, p.Lys1596Glu (NM_001128844.3); c.4696A>G, p.Lys1566Glu (NM_001128845.2); c.4693A>G, p.Lys1565Glu (NM_001128846.2); c.4687A>G, p.Lys1563Glu (NM_001128847.4, NM_001374457.1); c.4684A>G, p.Lys1562Glu (NM_001128848.2); c.4882A>G, p.Lys1628Glu (NM_001128849.3, NM_001387283.1); c.4783A>G, p.Lys1595Glu (NM_001411150.1); short protein forms K1563E, K1562E, K1566E, K1628E, K1565E, K1595E, K1596E.
Identifiers: ClinVar variation 2452841 (VCV002452841.2), dbSNP rs2147123811, ClinGen allele CA404080311.